The following is an entry in ClinVar:

ClinVar aggregate classification (germline): Uncertain significance. Review status: criteria provided, multiple submitters, no conflicts (2 of 4 stars). 3 submissions from 3 submitters: Uncertain significance (3). Last evaluated 2025-10-20.

Conditions:
Hypertrophic cardiomyopathy 26. Also called: Cardiomyopathy, familial hypertrophic, 26. Identifiers: Orphanet 75249, MedGen C4310749, MONDO:0014883, OMIM 617047.
Myofibrillar myopathy 5. Also called: Filaminopathy (type); FILAMINOPATHY, AUTOSOMAL DOMINANT. Identifiers: Orphanet 171445, MedGen C1836050, MONDO:0012289, OMIM 609524.
Distal myopathy with posterior leg and anterior hand involvement. Also called: WILLIAMS DISTAL MYOPATHY. Identifiers: Orphanet 63273, MedGen C3279722, MONDO:0013550, OMIM 614065.
Cardiovascular phenotype. Identifiers: MedGen CN230736.

Allele frequency attached by ClinVar (database versions not stated): gnomAD exomes 0.00001; ExAC 0.00002; gnomAD 0.00002; TOPMed 0.00004.

Submissions (3):

Labcorp Genetics (formerly Invitae), Labcorp
Classification: Uncertain significance for Distal myopathy with posterior leg and anterior hand involvement; Myofibrillar myopathy 5; Hypertrophic cardiomyopathy 26. Last evaluated: 2025-10-20. Review status: criteria provided, single submitter. Criteria: Invitae Variant Classification Sherloc (09022015). Collection method: clinical testing. Allele origin: germline.
Comment: This sequence change replaces alanine, which is neutral and non-polar, with threonine, which is neutral and polar, at codon 280 of the FLNC protein (p.Ala280Thr). This variant is present in population databases (rs778751919, gnomAD 0.009%). This missense change has been observed in individual(s) with hypertrophic cardiomyopathy (PMID: 39554508). ClinVar contains an entry for this variant (Variation ID: 2159567). Invitae Evidence Modeling of protein sequence and biophysical properties (such as structural, functional, and spatial information, amino acid conservation, physicochemical variation, residue mobility, and thermodynamic stability) has been performed for this missense variant. However, the output from this modeling did not meet the statistical confidence thresholds required to predict the impact of this variant on FLNC protein function. In summary, the available evidence is currently insufficient to determine the role of this variant in disease. Therefore, it has been classified as a Variant of Uncertain Significance.

Ambry Genetics
Classification: Uncertain significance for Cardiovascular phenotype. Last evaluated: 2025-09-23. Review status: criteria provided, single submitter. Criteria: Ambry Variant Classification Scheme 2023. Collection method: clinical testing. Allele origin: germline.
Comment: The p.A280T variant (also known as c.838G>A), located in coding exon 4 of the FLNC gene, results from a G to A substitution at nucleotide position 838. The alanine at codon 280 is replaced by threonine, an amino acid with similar properties. This variant was reported in individual(s) with features consistent with hypertrophic cardiomyopathy (Jaouadi H et al. Front Med (Lausanne), 2024 Oct;11:1480947). This amino acid position is highly conserved in available vertebrate species. In addition, the in silico prediction for this alteration is inconclusive. Based on the available evidence, the clinical significance of this variant remains unclear.

Blueprint Genetics
Classification: Uncertain significance. Last evaluated: 2024-07-10. Review status: criteria provided, single submitter. Criteria: ACMG Guidelines, 2015. Collection method: clinical testing. Allele origin: germline.

Literature cited by the submitters: PubMed 39554508 (cited by Labcorp Genetics (formerly Invitae), Labcorp and Ambry Genetics).

NM_001458.5(FLNC):c.838G>A (p.Ala280Thr)

Gene: FLNC (filamin C; plus strand). Cytogenetic location: 7q32.1.
Variant type: single nucleotide variant.
Coding change: c.838G>A on transcript NM_001458.5 (MANE Select); coding-DNA position 838, G replaced by A.
Protein change: p.Ala280Thr; replaces alanine 280 with threonine.
Molecular consequence: missense variant.
Genome position (GRCh38, 1-based): chr7:128,837,536, G>A. VCF-style: chr7-128837536-G-A. GRCh37 (hg19) VCF-style: chr7-128477590-G-A.
Other names: c.838G>A, p.Ala280Thr (NM_001127487.2); short protein forms A280T.
Identifiers: ClinVar variation 2159567 (VCV002159567.6), dbSNP rs778751919, ClinGen allele CA4474130.